The following is an entry in ClinVar:

ClinVar aggregate classification (germline): Uncertain significance. Review status: criteria provided, multiple submitters, no conflicts (2 of 4 stars). 2 submissions from 2 submitters: Uncertain significance (2). Last evaluated 2023-09-30.

gnomAD v4.1: 2 of 1,614,218 alleles (0.00012%); highest among the groups gnomAD compares: Non-Finnish European, 0.000085%; no homozygotes.

Submissions (2):

Labcorp Genetics (formerly Invitae), Labcorp
Classification: Uncertain significance. Last evaluated: 2023-09-30. Review status: criteria provided, single submitter. Criteria: Invitae Variant Classification Sherloc (09022015). Collection method: clinical testing. Allele origin: germline.
Comment: This variant is present in population databases (rs557127956, gnomAD 0.0009%). This variant has not been reported in the literature in individuals affected with TUB-related conditions. An algorithm developed to predict the effect of missense changes on protein structure and function (PolyPhen-2) suggests that this variant is likely to be disruptive. In summary, the available evidence is currently insufficient to determine the role of this variant in disease. Therefore, it has been classified as a Variant of Uncertain Significance. This sequence change replaces arginine, which is basic and polar, with leucine, which is neutral and non-polar, at codon 345 of the TUB protein (p.Arg345Leu).

Blueprint Genetics
Classification: Uncertain significance. Last evaluated: 2019-09-20. Review status: criteria provided, single submitter. Criteria: ACMG Guidelines, 2015. Collection method: clinical testing. Allele origin: germline.

NM_177972.3(TUB):c.869G>T (p.Arg290Leu)

Genes: RIC3 (RIC3 acetylcholine receptor chaperone; minus strand), TUB (TUB bipartite transcription factor; plus strand). Cytogenetic location: 11p15.4.
Variant type: single nucleotide variant.
Coding change: c.869G>T on transcript NM_177972.3 (MANE Select); coding-DNA position 869, G replaced by T.
Protein change: p.Arg290Leu; replaces arginine 290 with leucine.
Molecular consequence: missense variant.
Genome position (GRCh38, 1-based): chr11:8,097,409, G>T. VCF-style: chr11-8097409-G-T. GRCh37 (hg19) VCF-style: chr11-8118956-G-T.
Other names: c.1034G>T, p.Arg345Leu (NM_003320.5); short protein forms R290L, R345L.
Identifiers: ClinVar variation 3004917 (VCV003004917.4), dbSNP rs557127956, ClinGen allele CA5871248.